The following is an entry in ClinVar:

ClinVar aggregate classification (germline): Pathogenic/Likely pathogenic. Review status: criteria provided, multiple submitters, no conflicts (2 of 4 stars). 2 submissions from 2 submitters: Pathogenic (1); Likely pathogenic (1). Last evaluated 2024-02-29.

Conditions:
Sialuria. Also called: SIALURIA, FRENCH TYPE; Sialic Acid Storage Disease. Identifiers: Orphanet 3166, MedGen C0342853, MONDO:0010028, OMIM 269921.
GNE myopathy (NM). Also called: NONAKA DISTAL MYOPATHY; MYOPATHY, DISTAL, WITH OR WITHOUT RIMMED VACUOLES; INCLUSION BODY MYOPATHY, HEREDITARY, AUTOSOMAL RECESSIVE; INCLUSION BODY MYOPATHY 2, AUTOSOMAL RECESSIVE; IBM 2; Inclusion body myopathy autosomal recessive. Identifiers: Orphanet 602, MedGen C1853926, MONDO:0011603, OMIM 605820.

Submissions (2):

Natera, Inc.
Classification: Likely pathogenic for Nonaka myopathy. Last evaluated: 2024-02-29. Review status: criteria provided, single submitter. Criteria: Natera Variant Classification Schema (03/2026). Collection method: clinical testing. Allele origin: germline.
Comment: The c.1783delG variant in GNE is a frameshift variant predicted to shift the reading frame beginning at codon 595 and leads to a stop codon 79 codons downstream. This variant is expected to result in nonsense mediated decay, truncation, or a dysfunctional protein product. This variant is rare in the general population with a frequency below the threshold expected for the associated phenotype(s). Given the available evidence, this variant is classified as Likely Pathogenic.

Labcorp Genetics (formerly Invitae), Labcorp
Classification: Pathogenic for Sialuria; GNE myopathy. Last evaluated: 2020-06-30. Review status: criteria provided, single submitter. Criteria: Invitae Variant Classification Sherloc (09022015). Collection method: clinical testing. Allele origin: germline.
Comment: For these reasons, this variant has been classified as Pathogenic. This variant disrupts the C-terminus of the GNE protein. Other variant(s) that disrupt this region (p.Ser646*) have been determined to be pathogenic (PMID: 20059379). This suggests that variants that disrupt this region of the protein are likely to be causative of disease. This sequence change results in a premature translational stop signal in the GNE gene (p.Ala595Leufs*79). While this is not anticipated to result in nonsense mediated decay, it is expected to disrupt the last 159 amino acids of the GNE protein. This variant is not present in population databases (ExAC no frequency). This variant has not been reported in the literature in individuals with GNE-related conditions.

Literature cited by the submitters: PubMed 20059379 (cited by Labcorp Genetics (formerly Invitae), Labcorp).

NM_005476.7(GNE):c.1690del (p.Ala564fs)

Gene: GNE (glucosamine (UDP-N-acetyl)-2-epimerase/N-acetylmannosamine kinase; minus strand). Cytogenetic location: 9p13.3.
Variant type: Deletion.
Coding change: c.1690del on transcript NM_005476.7 (MANE Select); coding-DNA position 1690, one base deleted (G; older notation c.1690delG).
Protein change: p.Ala564fs; shifts the reading frame from alanine 564.
Molecular consequence: frameshift variant.
Genome position (GRCh38, 1-based): chr9:36,219,964, C deleted on the plus strand (G on the coding strand, the reverse complement: GNE is on the minus strand). VCF-style (leftmost placement, unchanged base first): chr9-36219963-GC-G. GRCh37 (hg19) VCF-style: chr9-36219960-GC-G.
Other names: c.1783delG (NM_001128227.2); c.1783del, p.Ala595fs (NM_001128227.3); c.1468del, p.Ala490fs (NM_001190383.3); c.1360del, p.Ala454fs (NM_001190384.3); c.1513del, p.Ala505fs (NM_001190388.2, NM_001374798.1); c.1537del, p.Ala513fs (NM_001374797.1); short protein forms A454fs, A490fs, A505fs, A513fs, A564fs, A595fs.
Identifiers: ClinVar variation 1070560 (VCV001070560.10), dbSNP rs2133007032, ClinGen allele CA2499219907.
Genomic context (GRCh38, chr9:36,219,963, plus strand): 5'-TGGCTTCCACAGGAACAATCAGGCCCATCCAGAGACACAACAAGGTGGCCCAGTTCTGCA[GC>G]ACAGAAGGAGCTTCCGTGGATCAATTCATGCTGATGGATAATTCCACCACCGATTCCTAC-3'